The following is an entry in ClinVar:

NC_000014.8:g.(?_103355877)_(103395332_?)dup

Genes: AMN (amnion associated transmembrane protein; plus strand), TRAF3 (TNF receptor associated factor 3; plus strand), LOC130056550 (ATAC-STARR-seq lymphoblastoid active region 9091; plus strand), LOC130056551 (ATAC-STARR-seq lymphoblastoid active region 9092; plus strand), LOC130056552 (ATAC-STARR-seq lymphoblastoid silent region 6134; plus strand) and 1 more. Cytogenetic location: 14q32.32.
Variant type: Duplication.
Identifiers: ClinVar variation 649059 (VCV000649059.9).

ClinVar aggregate classification (germline): Uncertain significance (1 of 4 stars; one submission).

Conditions:
Immunodeficiency 132A. Also called: Herpes simplex encephalitis, susceptibility to, 3. Identifiers: Orphanet 1930, MedGen C3553868, MONDO:0013920, OMIM 614849.

Submission:

Labcorp Genetics (formerly Invitae), Labcorp
Classification: Uncertain significance for Immunodeficiency 132A. Last evaluated: 2023-08-10. Review status: criteria provided, single submitter. Criteria: Invitae Variant Classification Sherloc (09022015). Collection method: clinical testing. Allele origin: germline.
Comment: This variant results in a copy number gain of the genomic region encompassing exon(s) 7-11 of the TRAF3 gene. This region includes the termination codon of the gene. This copy number gain extends beyond the assayed region for this gene and therefore may encompass additional genes. As the precise location of this event is unknown, it may be in tandem or it may be located elsewhere in the genome. This variant has not been reported in the literature in individuals affected with TRAF3-related conditions. In summary, the available evidence is currently insufficient to determine the role of this variant in disease. Therefore, it has been classified as a Variant of Uncertain Significance.